The following is an entry in ClinVar:

NM_001130438.3(SPTAN1):c.505-89C>T

Gene: SPTAN1 (spectrin alpha, non-erythrocytic 1; plus strand). Cytogenetic location: 9q34.11.
Variant type: single nucleotide variant.
Coding change: c.505-89C>T on transcript NM_001130438.3 (MANE Select); 89 bases into the intron before coding-DNA position 505, C replaced by T.
Molecular consequence: intron variant.
Genome position (GRCh38, 1-based): chr9:128,575,110, C>T. VCF-style: chr9-128575110-C-T. GRCh37 (hg19) VCF-style: chr9-131337389-C-T.
Other names: c.505-89C>T (NM_001363759.2, NM_003127.4, NM_001363765.2 and 1 more transcripts).
Identifiers: ClinVar variation 670623 (VCV000670623.4), dbSNP rs2297768, ClinGen allele CA15606942.
Genomic context (GRCh38, chr9:128,575,110, plus strand): 5'-GGGAGGAACTAAAATCACAAACCACAGACAAAACTGTATCCATTAAAGCTAACATGGCTC[C>T]GTCCCTAATGTGTCTGTTTGATGTTTCTGGAAGCCATTGTTAACAAATGTTGGTTGGTGA-3'

ClinVar aggregate classification (germline): Benign. Review status: criteria provided, multiple submitters, no conflicts (2 of 4 stars). 3 submissions from 3 submitters: Benign (3). Last evaluated 2024-07-15.

Allele frequency attached by ClinVar (database versions not stated): 1000 Genomes Project 30x 0.61571; 1000 Genomes Project 0.62041; TOPMed 0.70926; gnomAD 0.72385 and 0.72561; gnomAD exomes 0.86084.
gnomAD v4.1: 1,318,798 of 1,557,822 alleles (85%); highest among the groups gnomAD compares: Non-Finnish European, 90%; 571,333 homozygotes.

Submissions (3):

Unidad de Genómica Garrahan, Hospital de Pediatría Garrahan
Classification: Benign. Last evaluated: 2024-07-15. Review status: criteria provided, single submitter. Criteria: ACMG Guidelines, 2015. Collection method: clinical testing. Allele origin: germline. Affected: no. Observed: 66 variant alleles.
Comment: This variant is classified as Benign based on local population frequency. This variant was detected in 71% of patients studied in a panel designed for Epileptic and Developmental Encephalopathy and Progressive Myoclonus Epilepsy. Number of patients: 66. Only high quality variants are reported.

GeneDx
Classification: Benign. Last evaluated: 2018-06-14. Review status: criteria provided, single submitter. Criteria: GeneDx Variant Classification (06012015). Collection method: clinical testing. Allele origin: germline. Affected: yes.
Comment: This variant is considered likely benign or benign based on one or more of the following criteria: it is a conservative change, it occurs at a poorly conserved position in the protein, it is predicted to be benign by multiple in silico algorithms, and/or has population frequency not consistent with disease.

Breakthrough Genomics
Classification: Benign. Review status: criteria provided, single submitter. Criteria: ACMG Guidelines, 2015. Collection method: not provided. Allele origin: germline. Inheritance: Autosomal dominant inheritance. Affected: yes.